The following is an entry in ClinVar:

ClinVar aggregate classification (germline): Uncertain significance (1 of 4 stars; one submission).

Submission:

Labcorp Genetics (formerly Invitae), Labcorp
Classification: Uncertain significance. Last evaluated: 2021-12-24. Review status: criteria provided, single submitter. Criteria: Invitae Variant Classification Sherloc (09022015). Collection method: clinical testing. Allele origin: germline.
Comment: This sequence change replaces aspartic acid, which is acidic and polar, with alanine, which is neutral and non-polar, at codon 217 of the CACNA2D4 protein (p.Asp217Ala). This variant is not present in population databases (gnomAD no frequency). This variant has not been reported in the literature in individuals affected with CACNA2D4-related conditions. Algorithms developed to predict the effect of missense changes on protein structure and function (SIFT, PolyPhen-2, Align-GVGD) all suggest that this variant is likely to be disruptive. Algorithms developed to predict the effect of sequence changes on RNA splicing suggest that this variant may disrupt the consensus splice site. In summary, the available evidence is currently insufficient to determine the role of this variant in disease. Therefore, it has been classified as a Variant of Uncertain Significance.

NM_172364.5(CACNA2D4):c.650A>C (p.Asp217Ala)

Gene: CACNA2D4 (calcium voltage-gated channel auxiliary subunit alpha2delta 4; minus strand). Cytogenetic location: 12p13.33.
Variant type: single nucleotide variant.
Coding change: c.650A>C on transcript NM_172364.5 (MANE Select); coding-DNA position 650, A replaced by C.
Protein change: p.Asp217Ala; replaces aspartic acid 217 with alanine.
Molecular consequence: missense variant.
Genome position (GRCh38, 1-based): chr12:1,907,571, T>G on the plus strand (A>C on the coding strand, the complement: CACNA2D4 is on the minus strand). VCF-style: chr12-1907571-T-G. GRCh37 (hg19) VCF-style: chr12-2016737-T-G.
Other names: short protein forms D217A.
Identifiers: ClinVar variation 2058403 (VCV002058403.4), dbSNP rs2497326524, ClinGen allele CA383364022.
Genomic context (GRCh38, chr12:1,907,571, plus strand): 5'-TTCTCCACGAAGACAGCATTCAAGGCTTCAGACATGTAGACTCCATTTAAAATATCTGGG[T>G]CTGAAGGGTGAGACTATAGATTATGATCCTGTAGAACTTCTCAGGAAAATGGTGATCATG-3'
Protein context (NP_758952.4, residues 207-227): VQLPTNVYNK[Asp217Ala]PDILNGVYMS